The following is an entry in ClinVar:

ClinVar aggregate classification (germline): Pathogenic (1 of 4 stars; one submission).

Conditions:
Developmental and epileptic encephalopathy, 53. Also called: Epileptic encephalopathy, early infantile, 53. Identifiers: MedGen C4479313, MONDO:0033362, OMIM 617389.
Early-onset Parkinson disease 20. Also called: PARKINSON DISEASE 20, AUTOSOMAL RECESSIVE EARLY-ONSET. Identifiers: Orphanet 391411, MedGen C3809824, MONDO:0014233, OMIM 615530.

Submission:

Labcorp Genetics (formerly Invitae), Labcorp
Classification: Pathogenic for Developmental and epileptic encephalopathy, 53; Early-onset Parkinson disease 20. Last evaluated: 2022-06-09. Review status: criteria provided, single submitter. Criteria: Invitae Variant Classification Sherloc (09022015). Collection method: clinical testing. Allele origin: germline.
Comment: For these reasons, this variant has been classified as Pathogenic. This variant has not been reported in the literature in individuals affected with SYNJ1-related conditions. This variant is a gross deletion of the genomic region encompassing exon(s) 1-31 of the SYNJ1 gene, which includes the initiator codon. This deletion extends beyond the assayed region for this gene and therefore may encompass additional genes. It is expected to result in an absent or disrupted protein product. Loss-of-function variants in SYNJ1 are known to be pathogenic (PMID: 25316601, 27435091).

Literature cited by the submitters: PubMed 25316601; PubMed 27435091.

NC_000021.8:g.(?_34011198)_(34100351_?)del

Gene: SYNJ1 (synaptojanin 1; minus strand). Cytogenetic location: 21q22.11.
Variant type: Deletion.
Identifiers: ClinVar variation 2424784 (VCV002424784.3).